The following is an entry in ClinVar:

NM_199242.3(UNC13D):c.169_172del (p.Glu57fs)

Gene: UNC13D (unc-13 homolog D; minus strand). Cytogenetic location: 17q25.1.
Variant type: Deletion.
Coding change: c.169_172del on transcript NM_199242.3 (MANE Select); coding-DNA positions 169 to 172, 4 bases deleted (GAGG; older notation c.169_172delGAGG).
Protein change: p.Glu57fs; shifts the reading frame from glutamic acid 57.
Molecular consequence: frameshift variant.
Genome position (GRCh38, 1-based): chr17:75,843,248-75,843,251, CCTC deleted on the plus strand (GAGG on the coding strand, the reverse complement: UNC13D is on the minus strand). VCF-style (leftmost placement, unchanged base first): chr17-75843247-TCCTC-T. GRCh37 (hg19) VCF-style: chr17-73839328-TCCTC-T.
Other names: short protein forms E57fs.
Identifiers: ClinVar variation 2745284 (VCV002745284.3), dbSNP rs2545988129, ClinGen allele CA2697555150.

ClinVar aggregate classification (germline): Pathogenic (1 of 4 stars; one submission).

Conditions:
Familial hemophagocytic lymphohistiocytosis 3 (FHL3). Also called: UNC13D-Related Familial Hemophagocytic Lymphohistiocytosis (UNC13D-fHLH). Identifiers: Orphanet 540, MedGen C1837174, MONDO:0012146, OMIM 608898.

Submission:

Labcorp Genetics (formerly Invitae), Labcorp
Classification: Pathogenic for Familial hemophagocytic lymphohistiocytosis 3. Last evaluated: 2023-07-19. Review status: criteria provided, single submitter. Criteria: Invitae Variant Classification Sherloc (09022015). Collection method: clinical testing. Allele origin: germline.
Comment: For these reasons, this variant has been classified as Pathogenic. Algorithms developed to predict the effect of sequence changes on RNA splicing suggest that this variant may disrupt the consensus splice site. This variant has not been reported in the literature in individuals affected with UNC13D-related conditions. This variant is not present in population databases (gnomAD no frequency). This sequence change creates a premature translational stop signal (p.Glu57Thrfs*18) in the UNC13D gene. It is expected to result in an absent or disrupted protein product. Loss-of-function variants in UNC13D are known to be pathogenic (PMID: 14622600).

Literature cited by the submitters: PubMed 14622600.